The following is an entry in ClinVar:

ClinVar aggregate classification (germline): Benign/Likely benign. Review status: criteria provided, multiple submitters, no conflicts (2 of 4 stars). 4 submissions from 4 submitters: Benign (1); Likely benign (1). 2 of the submissions do not count toward it. Last evaluated 2026-01-28.

Conditions:
TRMU-related disorder. Also called: TRMU-related condition.
Acute infantile liver failure due to synthesis defect of mtDNA-encoded proteins. Also called: LIVER FAILURE, INFANTILE, TRANSIENT; Liver failure acute infantile; TRMU Deficiency. Identifiers: Orphanet 217371, MedGen C3278664, MONDO:0013111, OMIM 613070.

Allele frequency attached by ClinVar (database versions not stated): gnomAD 0.00011 and 0.00018; TOPMed 0.00017; ExAC 0.00031; gnomAD exomes 0.00034; 1000 Genomes Project 30x 0.00047; 1000 Genomes Project 0.00060.

Submissions (4):

Labcorp Genetics (formerly Invitae), Labcorp
Classification: Benign. Last evaluated: 2026-01-28. Review status: criteria provided, single submitter. Criteria: Invitae Variant Classification Sherloc (09022015). Collection method: clinical testing. Allele origin: germline.

Illumina Laboratory Services, Illumina
Classification: Likely benign for Acute infantile liver failure due to synthesis defect of mtDNA-encoded proteins. Last evaluated: 2018-01-12. Review status: criteria provided, single submitter. Criteria: ICSL Variant Classification Criteria 13 December 2019. Collection method: clinical testing. Allele origin: germline.
Comment: This variant was observed in the ICSL laboratory as part of a predisposition screen in an ostensibly healthy population. It had not been previously curated by ICSL or reported in the Human Gene Mutation Database (HGMD: prior to June 1st, 2018), and was therefore a candidate for classification through an automated scoring system. Utilizing variant allele frequency, disease prevalence and penetrance estimates, and inheritance mode, an automated score was calculated to assess if this variant is too frequent to cause the disease. Based on the score and internal cut-off values, a variant classified as likely benign is not then subjected to further curation. The score for this variant resulted in a classification of likely benign for this disease.

PreventionGenetics, part of Exact Sciences
Classification: Likely benign for TRMU-related condition. Last evaluated: 2023-07-26. Review status: no assertion criteria provided. Collection method: clinical testing. Allele origin: germline. Not counted in ClinVar's aggregate classification.
Comment: This variant is classified as likely benign based on ACMG/AMP sequence variant interpretation guidelines (Richards et al. 2015 PMID: 25741868, with internal and published modifications).

Natera, Inc.
Classification: Uncertain significance for Acute infantile liver failure due to synthesis defect of mtDNA-encoded proteins. Last evaluated: 2020-01-17. Review status: no assertion criteria provided. Collection method: clinical testing. Allele origin: germline. Not counted in ClinVar's aggregate classification.

NM_018006.5(TRMU):c.910C>G (p.Leu304Val)

Gene: TRMU (tRNA mitochondrial 2-thiouridylase; plus strand). Cytogenetic location: 22q13.31.
Variant type: single nucleotide variant.
Coding change: c.910C>G on transcript NM_018006.5 (MANE Select); coding-DNA position 910, C replaced by G.
Protein change: p.Leu304Val; replaces leucine 304 with valine.
Molecular consequence: missense variant. On other transcripts: non-coding transcript variant (2).
Genome position (GRCh38, 1-based): chr22:46,355,480, C>G. VCF-style: chr22-46355480-C-G. GRCh37 (hg19) VCF-style: chr22-46751377-C-G.
Other names: c.568C>G, p.Leu190Val (NM_001282782.2); c.490C>G, p.Leu164Val (NM_001282783.2, NM_001282784.2); c.910C>G, p.Leu304Val (NM_001282785.2); short protein forms L164V, L190V, L304V.
Identifiers: ClinVar variation 763623 (VCV000763623.17), dbSNP rs200777988, ClinGen allele CA10292314.